The following is an entry in ClinVar:

NM_002340.6(LSS):c.422G>A (p.Trp141Ter)

Gene: LSS (lanosterol synthase; minus strand). Cytogenetic location: 21q22.3.
Variant type: single nucleotide variant.
Coding change: c.422G>A on transcript NM_002340.6 (MANE Select); coding-DNA position 422, G replaced by A.
Protein change: p.Trp141Ter; replaces tryptophan 141 with a stop codon.
Molecular consequence: nonsense. On other transcripts: intron variant (1).
Genome position (GRCh38, 1-based): chr21:46,222,636, C>T on the plus strand (G>A on the coding strand, the complement: LSS is on the minus strand). VCF-style: chr21-46222636-C-T. GRCh37 (hg19) VCF-style: chr21-47642550-C-T.
Other names: c.422G>A, p.Trp141Ter (NM_001001438.3); c.182G>A, p.Trp61Ter (NM_001145437.2); c.395+27G>A (NM_001145436.2); short protein forms W61*, W141*.
Identifiers: ClinVar variation 2084020 (VCV002084020.1), dbSNP rs2517250354, ClinGen allele CA410524728.

ClinVar aggregate classification (germline): Pathogenic (1 of 4 stars; one submission).

Submission:

Labcorp Genetics (formerly Invitae), Labcorp
Classification: Pathogenic. Last evaluated: 2022-06-29. Review status: criteria provided, single submitter. Criteria: Invitae Variant Classification Sherloc (09022015). Collection method: clinical testing. Allele origin: germline.
Comment: This sequence change creates a premature translational stop signal (p.Trp141*) in the LSS gene. It is expected to result in an absent or disrupted protein product. Loss-of-function variants in LSS are known to be pathogenic (PMID: 30723320). This variant is not present in population databases (gnomAD no frequency). This premature translational stop signal has been observed in individual(s) with LSS-related conditions (PMID: 30401459). Algorithms developed to predict the effect of sequence changes on RNA splicing suggest that this variant may create or strengthen a splice site. For these reasons, this variant has been classified as Pathogenic.

Literature cited by the submitters: PubMed 30723320; PubMed 30401459.